The following is an entry in ClinVar:

ClinVar aggregate classification (germline): Benign/Likely benign. Review status: criteria provided, multiple submitters, no conflicts (2 of 4 stars). 3 submissions from 3 submitters: Benign (1); Likely benign (1). 1 of the submissions does not count toward it. Last evaluated 2026-01-01.

Conditions:
Early-infantile DEE. Also called: Early infantile epileptic encephalopathy with suppression bursts; Early infantile epileptic encephalopathy; Ohtahara syndrome. Identifiers: Orphanet 1934, MedGen C0393706, MONDO:0800491.
ARHGEF15-related disorder. Also called: ARHGEF15-related condition.

Allele frequency attached by ClinVar (database versions not stated): gnomAD exomes 0.00140; ExAC 0.00150; gnomAD 0.00154 and 0.00155; ESP Exome Variant Server 0.00185; 1000 Genomes Project 30x 0.00078; 1000 Genomes Project 0.00100; TOPMed 0.00136.
gnomAD v4.1: 3,530 of 1,579,228 alleles (0.22%); highest among the groups gnomAD compares: Non-Finnish European, 0.27%; 5 homozygotes.

Submissions (3):

CeGaT Center for Human Genetics Tuebingen
Classification: Likely benign. Last evaluated: 2026-01-01. Review status: criteria provided, single submitter. Criteria: CeGaT Center For Human Genetics Tuebingen Variant Classification Criteria Version 2. Collection method: clinical testing. Allele origin: germline. Affected: yes. Observed: 1 variant allele.
Comment: ARHGEF15: BP4, BP7

Labcorp Genetics (formerly Invitae), Labcorp
Classification: Benign for Early-infantile DEE. Last evaluated: 2025-11-27. Review status: criteria provided, single submitter. Criteria: Invitae Variant Classification Sherloc (09022015). Collection method: clinical testing. Allele origin: germline.

PreventionGenetics, part of Exact Sciences
Classification: Likely benign for ARHGEF15-related condition. Last evaluated: 2019-06-04. Review status: no assertion criteria provided. Collection method: clinical testing. Allele origin: germline. Not counted in ClinVar's aggregate classification.
Comment: This variant is classified as likely benign based on ACMG/AMP sequence variant interpretation guidelines (Richards et al. 2015 PMID: 25741868, with internal and published modifications).

NM_173728.4(ARHGEF15):c.618C>T (p.Cys206=)

Gene: ARHGEF15 (Rho guanine nucleotide exchange factor 15; plus strand). Cytogenetic location: 17p13.1.
Variant type: single nucleotide variant.
Coding change: c.618C>T on transcript NM_173728.4 (MANE Select); coding-DNA position 618, C replaced by T.
Protein change: p.Cys206=; no amino-acid change (cysteine 206 retained).
Molecular consequence: synonymous variant.
Genome position (GRCh38, 1-based): chr17:8,312,938, C>T. VCF-style: chr17-8312938-C-T. GRCh37 (hg19) VCF-style: chr17-8216256-C-T.
Other names: c.618C>T, p.Cys206= (NM_025014.2).
Identifiers: ClinVar variation 412672 (VCV000412672.19), dbSNP rs138521691, ClinGen allele CA8374943.